The following is an entry in ClinVar:

ClinVar aggregate classification (germline): Pathogenic. Review status: criteria provided, multiple submitters, no conflicts (2 of 4 stars). 5 submissions from 5 submitters: Pathogenic (4). 1 of the submissions does not count toward it. Last evaluated 2024-08-07.

Conditions:
Primary ciliary dyskinesia 3. Identifiers: Orphanet 244, MedGen C1837618, MONDO:0012085, OMIM 608644.
Primary ciliary dyskinesia. Also called: Ciliary dyskinesia. Identifiers: Orphanet 244, MedGen C0008780, MONDO:0016575, HP:0012265.

Allele frequency attached by ClinVar (database versions not stated): gnomAD exomes 0.00001; ExAC 0.00001.
gnomAD v4.1: 8 of 1,613,812 alleles (0.0005%); highest among the groups gnomAD compares: Non-Finnish European, 0.00068%; no homozygotes.

Submissions (5):

Natera, Inc.
Classification: Pathogenic for Primary ciliary dyskinesia. Last evaluated: 2024-08-07. Review status: criteria provided, single submitter. Criteria: Natera Variant Classification Schema (03/2026). Collection method: clinical testing. Allele origin: germline.
Comment: The c.3484C>T variant in DNAH5 is a nonsense variant predicted to introduce a stop codon at amino acid 1162. This variant is expected to result in nonsense mediated decay, truncation, or a dysfunctional protein product. This variant is rare in the general population with a frequency below the threshold expected for the associated phenotype(s). This variant has been observed in one or more individuals affected with the associated recessive disease, as either homozygous or compound heterozygous with a second variant (PMID: 27637300, 33760720). Given the available evidence, this variant is classified as Pathogenic.

Myriad Genetics, Inc.
Classification: Pathogenic for Primary ciliary dyskinesia 3. Last evaluated: 2024-05-14. Review status: criteria provided, single submitter. Criteria: Myriad Autosomal Dominant, Autosomal Recessive and X-Linked Classification Criteria (2023). Collection method: clinical testing. Allele origin: unknown.
Comment: NM_001369.2(DNAH5):c.3484C>T(Q1162*) is expected to be pathogenic in the context of primary ciliary dyskinesia, DNAH5-related. This variant is predicted to lead to an abnormal or absent protein product due to the creation of a premature termination codon in DNAH5, a gene where loss-of-function variants are known to be pathogenic. Please note: this variant was assessed in the context of healthy population screening.

Fulgent Genetics
Classification: Pathogenic for Primary ciliary dyskinesia 3. Last evaluated: 2024-03-08. Review status: criteria provided, single submitter. Criteria: ACMG Guidelines, 2015. Collection method: clinical testing. Allele origin: germline.

Labcorp Genetics (formerly Invitae), Labcorp
Classification: Pathogenic for Primary ciliary dyskinesia. Last evaluated: 2021-09-29. Review status: criteria provided, single submitter. Criteria: Invitae Variant Classification Sherloc (09022015). Collection method: clinical testing. Allele origin: germline.
Comment: For these reasons, this variant has been classified as Pathogenic. This premature translational stop signal has been observed in individuals with primary ciliary dyskinesia (PMID: 27637300). This variant is present in population databases (rs760081822, ExAC 0.002%). This sequence change creates a premature translational stop signal (p.Gln1162*) in the DNAH5 gene. It is expected to result in an absent or disrupted protein product. Loss-of-function variants in DNAH5 are known to be pathogenic (PMID: 11788826, 16627867).

Genomics England Pilot Project, Genomics England
Classification: Pathogenic for Primary ciliary dyskinesia 3. Review status: no assertion criteria provided. Criteria: ACGS Guidelines, 2016. Collection method: clinical testing. Allele origin: germline. Affected: yes. Not counted in ClinVar's aggregate classification.

Literature cited by the submitters: PubMed 27637300 (cited by Natera, Inc. and Labcorp Genetics (formerly Invitae), Labcorp); PubMed 33760720 (cited by Natera, Inc.); PubMed 11788826 (cited by Labcorp Genetics (formerly Invitae), Labcorp); PubMed 16627867 (cited by Labcorp Genetics (formerly Invitae), Labcorp).

NM_001369.3(DNAH5):c.3484C>T (p.Gln1162Ter)

Genes: DNAH5 (dynein axonemal heavy chain 5; minus strand), DNAH5-AS1 (DNAH5 antisense RNA 1; plus strand). Cytogenetic location: 5p15.2.
Variant type: single nucleotide variant.
Coding change: c.3484C>T on transcript NM_001369.3 (MANE Select); coding-DNA position 3484, C replaced by T.
Protein change: p.Gln1162Ter; replaces glutamine 1162 with a stop codon.
Molecular consequence: nonsense.
Genome position (GRCh38, 1-based): chr5:13,871,678, G>A on the plus strand (C>T on the coding strand, the complement: DNAH5 is on the minus strand). VCF-style: chr5-13871678-G-A. GRCh37 (hg19) VCF-style: chr5-13871787-G-A.
Other names: short protein forms Q1162*.
Identifiers: ClinVar variation 852814 (VCV000852814.13), dbSNP rs760081822, ClinGen allele CA3204249.